The following is an entry in ClinVar:

NM_002029.4(FPR1):c.851A>G (p.Asp284Gly)

Gene: FPR1 (formyl peptide receptor 1; minus strand). Cytogenetic location: 19q13.41.
Variant type: single nucleotide variant.
Coding change: c.851A>G on transcript NM_002029.4 (MANE Select); coding-DNA position 851, A replaced by G.
Protein change: p.Asp284Gly; replaces aspartic acid 284 with glycine.
Molecular consequence: missense variant.
Genome position (GRCh38, 1-based): chr19:51,746,144, T>C on the plus strand (A>G on the coding strand, the complement: FPR1 is on the minus strand). VCF-style: chr19-51746144-T-C. GRCh37 (hg19) VCF-style: chr19-52249397-T-C.
Other names: c.851A>G, p.Asp284Gly (NM_001193306.2); short protein forms D284G.
Identifiers: ClinVar variation 1476955 (VCV001476955.6), dbSNP rs757217120, ClinGen allele CA9616376.

ClinVar aggregate classification (germline): Uncertain significance (1 of 4 stars; one submission).

Conditions:
Gingival disorder. Also called: Gingival disease. Identifiers: MedGen C0017563, MONDO:0002021.

Allele frequency attached by ClinVar (database versions not stated): ExAC 0.00001; gnomAD exomes below 0.00001.

Submission:

Labcorp Genetics (formerly Invitae), Labcorp
Classification: Uncertain significance for Gingival disorder. Last evaluated: 2025-03-18. Review status: criteria provided, single submitter. Criteria: Invitae Variant Classification Sherloc (09022015). Collection method: clinical testing. Allele origin: germline.
Comment: This sequence change replaces aspartic acid, which is acidic and polar, with glycine, which is neutral and non-polar, at codon 284 of the FPR1 protein (p.Asp284Gly). This variant is present in population databases (rs757217120, gnomAD 0.0009%). This variant has not been reported in the literature in individuals affected with FPR1-related conditions. ClinVar contains an entry for this variant (Variation ID: 1476955). An algorithm developed to predict the effect of missense changes on protein structure and function (PolyPhen-2) suggests that this variant is likely to be tolerated. In summary, the available evidence is currently insufficient to determine the role of this variant in disease. Therefore, it has been classified as a Variant of Uncertain Significance.